The following is an entry in ClinVar:

ClinVar aggregate classification (germline): Uncertain significance. Review status: criteria provided, multiple submitters, no conflicts (2 of 4 stars). 2 submissions from 2 submitters: Uncertain significance (2). Last evaluated 2022-10-05.

Conditions:
POLD1-related polyposis and colorectal cancer syndrome (CRCS10). Also called: Colorectal cancer, susceptibility to, 10; Colorectal cancer 10; COLORECTAL CANCER, SUSCEPTIBILITY TO, ON CHROMOSOME 19q. Identifiers: Orphanet 220460, MedGen C2675481, MONDO:0012953, OMIM 612591.
Hereditary cancer-predisposing syndrome. Also called: Tumor predisposition; Hereditary Cancer Syndrome; Hereditary neoplastic syndrome; Neoplastic Syndromes, Hereditary. Identifiers: Orphanet 140162, MedGen C0027672, MeSH D009386, MONDO:0015356.

Allele frequency attached by ClinVar (database versions not stated): TOPMed below 0.00001; gnomAD exomes below 0.00001.
gnomAD v4.1: 1 of 1,613,870 alleles (0.000062%); highest among the groups gnomAD compares: Non-Finnish European, 0.000085%; no homozygotes.

Submissions (2):

Ambry Genetics
Classification: Uncertain significance for Hereditary cancer-predisposing syndrome. Last evaluated: 2022-10-05. Review status: criteria provided, single submitter. Criteria: Ambry Variant Classification Scheme 2023. Collection method: clinical testing. Allele origin: germline.
Comment: The p.V647L variant (also known as c.1939G>T), located in coding exon 15 of the POLD1 gene, results from a G to T substitution at nucleotide position 1939. The valine at codon 647 is replaced by leucine, an amino acid with highly similar properties. This amino acid position is conserved. In addition, the in silico prediction for this alteration is inconclusive. Since supporting evidence is limited at this time, the clinical significance of this alteration remains unclear.

Labcorp Genetics (formerly Invitae), Labcorp
Classification: Uncertain significance for POLD1-related polyposis and colorectal cancer syndrome. Last evaluated: 2022-02-18. Review status: criteria provided, single submitter. Criteria: Invitae Variant Classification Sherloc (09022015). Collection method: clinical testing. Allele origin: germline.
Comment: This sequence change replaces valine, which is neutral and non-polar, with leucine, which is neutral and non-polar, at codon 647 of the POLD1 protein (p.Val647Leu). This variant is not present in population databases (gnomAD no frequency). This variant has not been reported in the literature in individuals affected with POLD1-related conditions. Algorithms developed to predict the effect of missense changes on protein structure and function (SIFT, PolyPhen-2, Align-GVGD) all suggest that this variant is likely to be tolerated. In summary, the available evidence is currently insufficient to determine the role of this variant in disease. Therefore, it has been classified as a Variant of Uncertain Significance.

NM_002691.4(POLD1):c.1939G>T (p.Val647Leu)

Gene: POLD1 (DNA polymerase delta 1, catalytic subunit; plus strand). Cytogenetic location: 19q13.33.
Variant type: single nucleotide variant.
Coding change: c.1939G>T on transcript NM_002691.4 (MANE Select); coding-DNA position 1939, G replaced by T.
Protein change: p.Val647Leu; replaces valine 647 with leucine.
Molecular consequence: missense variant. On other transcripts: non-coding transcript variant (1).
Genome position (GRCh38, 1-based): chr19:50,409,168, G>T. VCF-style: chr19-50409168-G-T. GRCh37 (hg19) VCF-style: chr19-50912425-G-T.
Other names: c.1939G>T, p.Val647Leu (NM_001256849.1); c.2017G>T, p.Val673Leu (NM_001308632.1); short protein forms V647L, V673L.
Identifiers: ClinVar variation 1384732 (VCV001384732.10), dbSNP rs2039005608, ClinGen allele CA406982283.